The following is an entry in ClinVar:

ClinVar aggregate classification (germline): Uncertain significance (1 of 4 stars; one submission).

Submission:

GeneDx
Classification: Uncertain significance. Last evaluated: 2024-07-17. Review status: criteria provided, single submitter. Criteria: GeneDx Variant Classification Process June 2021. Collection method: clinical testing. Allele origin: germline. Affected: yes.
Comment: Not observed at significant frequency in large population cohorts (gnomAD); In silico analysis indicates that this missense variant does not alter protein structure/function; Has not been previously published as pathogenic or benign to our knowledge

NM_012310.5(KIF4A):c.3198T>A (p.Asp1066Glu)

Gene: KIF4A (kinesin family member 4A; plus strand). Cytogenetic location: Xq13.1.
Variant type: single nucleotide variant.
Coding change: c.3198T>A on transcript NM_012310.5 (MANE Select); coding-DNA position 3198, T replaced by A.
Protein change: p.Asp1066Glu; replaces aspartic acid 1066 with glutamic acid.
Molecular consequence: missense variant.
Genome position (GRCh38, 1-based): chrX:70,407,018, T>A. VCF-style: chrX-70407018-T-A. GRCh37 (hg19) VCF-style: chrX-69626868-T-A.
Other names: short protein forms D1066E.
Identifiers: ClinVar variation 3573705 (VCV003573705.1).